The following is an entry in ClinVar:

ClinVar aggregate classification (germline): Conflicting classifications of pathogenicity. Review status: criteria provided, conflicting classifications (1 of 4 stars). 4 submissions from 4 submitters: Uncertain significance (2); Likely benign (2). Last evaluated 2026-03-05.

Conditions:
Hereditary cancer-predisposing syndrome. Also called: Neoplastic Syndromes, Hereditary; Hereditary neoplastic syndrome; Tumor predisposition; Hereditary Cancer Syndrome. Identifiers: Orphanet 140162, MedGen C0027672, MeSH D009386, MONDO:0015356.
Hereditary breast ovarian cancer syndrome. Also called: Hereditary breast and/or ovarian cancer syndrome; Breast and ovarian cancer; Hereditary breast and ovarian cancer; Hereditary breast and ovarian cancer syndrome (HBOC); Hereditary breast and ovarian cancer syndrome; BRCA1- and BRCA2-Associated Hereditary Breast and Ovarian Cancer. Identifiers: Orphanet 145, MedGen C0677776, MeSH D061325, MONDO:0003582. Disease mechanism: loss of function.

Submissions (4):

Ambry Genetics
Classification: Likely benign for Hereditary cancer-predisposing syndrome. Last evaluated: 2026-03-05. Review status: criteria provided, single submitter. Criteria: Ambry Variant Classification Scheme 2023. Collection method: clinical testing. Allele origin: germline.

Labcorp Genetics (formerly Invitae), Labcorp
Classification: Uncertain significance for Hereditary breast ovarian cancer syndrome. Last evaluated: 2025-05-11. Review status: criteria provided, single submitter. Criteria: Invitae Variant Classification Sherloc (09022015). Collection method: clinical testing. Allele origin: germline.
Comment: This sequence change replaces serine, which is neutral and polar, with phenylalanine, which is neutral and non-polar, at codon 1817 of the BRCA2 protein (p.Ser1817Phe). This variant is not present in population databases (gnomAD no frequency). This variant has not been reported in the literature in individuals affected with BRCA2-related conditions. ClinVar contains an entry for this variant (Variation ID: 630703). Invitae Evidence Modeling of protein sequence and biophysical properties (such as structural, functional, and spatial information, amino acid conservation, physicochemical variation, residue mobility, and thermodynamic stability) indicates that this missense variant is not expected to disrupt BRCA2 protein function with a negative predictive value of 95%. In summary, the available evidence is currently insufficient to determine the role of this variant in disease. Therefore, it has been classified as a Variant of Uncertain Significance.

University of Washington Department of Laboratory Medicine, University of Washington
Classification: Likely benign for Hereditary cancer-predisposing syndrome. Last evaluated: 2023-03-23. Review status: criteria provided, single submitter. Criteria: Dines et al. (Genet Med. 2020). Collection method: curation. Allele origin: germline.
Comment: Missense variant in a coldspot region where missense variants are very unlikely to be pathogenic (PMID:31911673).

BRCA2 exon 11 coldspot. Reclassification based on statistical prior probability.

Color Diagnostics, LLC DBA Color Health
Classification: Uncertain significance for Hereditary cancer-predisposing syndrome. Last evaluated: 2019-05-23. Review status: criteria provided, single submitter. Criteria: ACMG Guidelines, 2015. Collection method: clinical testing. Allele origin: germline.

NM_000059.4(BRCA2):c.5450C>T (p.Ser1817Phe)

Gene: BRCA2 (BRCA2 DNA repair associated; plus strand). Cytogenetic location: 13q13.1.
Variant type: single nucleotide variant.
Coding change: c.5450C>T on transcript NM_000059.4 (MANE Select); coding-DNA position 5450, C replaced by T.
Protein change: p.Ser1817Phe; replaces serine 1817 with phenylalanine.
Molecular consequence: missense variant.
Genome position (GRCh38, 1-based): chr13:32,339,805, C>T. VCF-style: chr13-32339805-C-T. GRCh37 (hg19) VCF-style: chr13-32913942-C-T.
Other names: short protein forms S1817F.
Identifiers: ClinVar variation 630703 (VCV000630703.9), dbSNP rs759741090, ClinGen allele CA387785593.